The following is an entry in ClinVar:

ClinVar aggregate classification (germline): Benign. Review status: criteria provided, multiple submitters, no conflicts (2 of 4 stars). 8 submissions from 8 submitters: Benign (5). 3 of the submissions do not count toward it. Last evaluated 2026-06-28.

Conditions:
Dilated cardiomyopathy 1AA (CMD1AA). Also called: Cardiomyopathy, dilated, 1AA, with or without LVNC; CARDIOMYOPATHY, DILATED, 1AA, WITH OR WITHOUT LEFT VENTRICULAR NONCOMPACTION; CARDIOMYOPATHY, FAMILIAL HYPERTROPHIC, 23, WITH OR WITHOUT LEFT VENTRICULAR NONCOMPACTION. Identifiers: Orphanet 154, MedGen C2677338, MONDO:0012808, OMIM 612158.
Primary familial hypertrophic cardiomyopathy (HCM). Identifiers: Orphanet 99739, MedGen C0949658, MeSH D024741, MONDO:0024573. Inheritance: Various modes of inheritance.
Cardiomyopathy (CMYO). Also called: Cardiomyopathies. Identifiers: Orphanet 167848, MedGen C0878544, MONDO:0004994, HP:0001638. Inheritance: Various modes of inheritance.

Allele frequency attached by ClinVar (database versions not stated): 1000 Genomes Project 0.00060; 1000 Genomes Project 30x 0.00047.
gnomAD v4.1: 773 of 1,614,186 alleles (0.048%); highest among the groups gnomAD compares: South Asian, 0.81%; 12 homozygotes.

Submissions (8):

Women's Health and Genetics/Laboratory Corporation of America, LabCorp
Classification: Benign. Last evaluated: 2026-06-28. Review status: criteria provided, single submitter. Criteria: LabCorp Variant Classification Summary - May 2015. Collection method: clinical testing. Allele origin: germline.

Labcorp Genetics (formerly Invitae), Labcorp
Classification: Benign for Primary familial hypertrophic cardiomyopathy; Dilated cardiomyopathy 1AA. Last evaluated: 2026-01-26. Review status: criteria provided, single submitter. Criteria: Invitae Variant Classification Sherloc (09022015). Collection method: clinical testing. Allele origin: germline.

Laboratory for Molecular Medicine, Mass General Brigham Personalized Medicine
Classification: Benign. Last evaluated: 2021-01-26. Review status: criteria provided, single submitter. Criteria: LMM Criteria. Collection method: clinical testing. Allele origin: germline. Observed: 2 variant alleles.
Comment: The c.1975-6C>G variant in ACTN2 is classified as benign because it has been identified in 0.8% (255/30616) of South Asian chromosomes, including 4 homozygotes, by gnomAD. ACMG/AMP Criteria applied: BA1.

CHEO Genetics Diagnostic Laboratory, Children's Hospital of Eastern Ontario
Classification: Benign for Cardiomyopathy. Last evaluated: 2019-03-11. Review status: criteria provided, single submitter. Criteria: ACMG Guidelines, 2015. Collection method: clinical testing. Allele origin: germline.

GeneDx
Classification: Benign. Last evaluated: 2018-12-19. Review status: criteria provided, single submitter. Criteria: GeneDx Variant Classification Process June 2021. Collection method: clinical testing. Allele origin: germline. Affected: yes.

Clinical Genetics DNA and cytogenetics Diagnostics Lab, Erasmus MC, Erasmus Medical Center
Classification: Likely benign. Review status: no assertion criteria provided. Collection method: clinical testing. Allele origin: germline. Affected: yes. Study: VKGL Data-share Consensus. Not counted in ClinVar's aggregate classification.

Clinical Genetics, Academic Medical Center
Classification: Benign. Review status: no assertion criteria provided. Collection method: clinical testing. Allele origin: germline. Affected: yes. Study: VKGL Data-share Consensus. Not counted in ClinVar's aggregate classification.

Genome Diagnostics Laboratory, University Medical Center Utrecht
Classification: Benign. Review status: no assertion criteria provided. Collection method: clinical testing. Allele origin: germline. Affected: yes. Study: VKGL Data-share Consensus. Not counted in ClinVar's aggregate classification.

NM_001103.4(ACTN2):c.1975-6C>G

Gene: ACTN2 (actinin alpha 2; plus strand). Cytogenetic location: 1q43.
Variant type: single nucleotide variant.
Coding change: c.1975-6C>G on transcript NM_001103.4 (MANE Select); 6 bases into the intron before coding-DNA position 1975, C replaced by G.
Molecular consequence: intron variant.
Genome position (GRCh38, 1-based): chr1:236,755,013, C>G. VCF-style: chr1-236755013-C-G. GRCh37 (hg19) VCF-style: chr1-236918313-C-G.
Other names: c.1351-6C>G (NM_001278344.2); c.1975-6C>G (NM_001278343.2).
Identifiers: ClinVar variation 179551 (VCV000179551.25), dbSNP rs201255023, ClinGen allele CA184644.